The following is an entry in ClinVar:

ClinVar aggregate classification (germline): Conflicting classifications of pathogenicity. Review status: criteria provided, conflicting classifications (1 of 4 stars). 8 submissions from 8 submitters: Uncertain significance (3); Benign (1); Likely benign (3). 1 of the submissions does not count toward it. Last evaluated 2026-05-14.

Conditions:
COL9A2-related disorder. Also called: COL9A2-related condition.
Inborn genetic diseases. Identifiers: MedGen C0950123, MeSH D030342.
Epiphyseal dysplasia, multiple, 2 (EDM2). Also called: COL9A2-Related Multiple Epiphyseal Dysplasia. Identifiers: MedGen C1838429, MONDO:0010844, OMIM 600204.

Allele frequency attached by ClinVar (database versions not stated): gnomAD exomes 0.00006 and 0.00016; gnomAD 0.00011; ExAC 0.00018; TOPMed 0.00019.

Submissions (8):

Women's Health and Genetics/Laboratory Corporation of America, LabCorp
Classification: Likely benign. Last evaluated: 2026-05-14. Review status: criteria provided, single submitter. Criteria: LabCorp Variant Classification Summary - May 2015. Collection method: clinical testing. Allele origin: germline.
Comment: Variant summary: COL9A2 c.2036G>A (p.Arg679His) results in a non-conservative amino acid change in the encoded protein sequence. Algorithms developed to predict the effect of missense changes on protein structure and function all suggest that this variant is likely to be disruptive. The variant allele was found at a frequency of 0.00016 in 250314 control chromosomes, predominantly at a frequency of 0.0019 within the East Asian subpopulation in the gnomAD database. The observed variant frequency within East Asian control individuals in the gnomAD database exceeds the estimated maximal expected allele frequency for disease-causing variants in COL9A2. To our knowledge, no occurrence of c.2036G>A in individuals affected with COL9A2-related conditions and no experimental evidence demonstrating its impact on protein function have been reported. ClinVar contains an entry for this variant (Variation ID: 876311). Based on the evidence outlined above, the variant was classified as likely benign.

Labcorp Genetics (formerly Invitae), Labcorp
Classification: Benign. Last evaluated: 2026-01-27. Review status: criteria provided, single submitter. Criteria: Invitae Variant Classification Sherloc (09022015). Collection method: clinical testing. Allele origin: germline.

CeGaT Center for Human Genetics Tuebingen
Classification: Uncertain significance. Last evaluated: 2025-12-01. Review status: criteria provided, single submitter. Criteria: CeGaT Center For Human Genetics Tuebingen Variant Classification Criteria Version 2. Collection method: clinical testing. Allele origin: germline. Affected: yes. Observed: 1 variant allele.
Comment: COL9A2: PM2

GeneDx
Classification: Uncertain significance. Last evaluated: 2025-02-11. Review status: criteria provided, single submitter. Criteria: GeneDx Variant Classification Process June 2021. Collection method: clinical testing. Allele origin: germline. Affected: yes.
Comment: Has not been previously published as pathogenic or benign to our knowledge; In silico analysis indicates that this missense variant does not alter protein structure/function

Blueprint Genetics
Classification: Likely benign. Last evaluated: 2024-11-20. Review status: criteria provided, single submitter. Criteria: ACMG Guidelines, 2015. Collection method: clinical testing. Allele origin: germline.

Ambry Genetics
Classification: Uncertain significance for Inborn genetic diseases. Last evaluated: 2023-08-15. Review status: criteria provided, single submitter. Criteria: Ambry Variant Classification Scheme 2023. Collection method: clinical testing. Allele origin: germline.

Illumina Laboratory Services, Illumina
Classification: Likely benign for Epiphyseal dysplasia, multiple, 2. Last evaluated: 2018-01-13. Review status: criteria provided, single submitter. Criteria: ICSL Variant Classification Criteria 13 December 2019. Collection method: clinical testing. Allele origin: germline.
Comment: This variant was observed in the ICSL laboratory as part of a predisposition screen in an ostensibly healthy population. It had not been previously curated by ICSL or reported in the Human Gene Mutation Database (HGMD: prior to June 1st, 2018), and was therefore a candidate for classification through an automated scoring system. Utilizing variant allele frequency, disease prevalence and penetrance estimates, and inheritance mode, an automated score was calculated to assess if this variant is too frequent to cause the disease. Based on the score and internal cut-off values, a variant classified as likely benign is not then subjected to further curation. The score for this variant resulted in a classification of likely benign for this disease.

PreventionGenetics, part of Exact Sciences
Classification: Likely benign for COL9A2-related condition. Last evaluated: 2024-04-09. Review status: no assertion criteria provided. Collection method: clinical testing. Allele origin: germline. Not counted in ClinVar's aggregate classification.
Comment: This variant is classified as likely benign based on ACMG/AMP sequence variant interpretation guidelines (Richards et al. 2015 PMID: 25741868, with internal and published modifications).

NM_001852.4(COL9A2):c.2036G>A (p.Arg679His)

Gene: COL9A2 (collagen type IX alpha 2 chain; minus strand). Cytogenetic location: 1p34.2.
Variant type: single nucleotide variant.
Coding change: c.2036G>A on transcript NM_001852.4 (MANE Select); coding-DNA position 2036, G replaced by A.
Protein change: p.Arg679His; replaces arginine 679 with histidine.
Molecular consequence: missense variant.
Genome position (GRCh38, 1-based): chr1:40,301,216, C>T on the plus strand (G>A on the coding strand, the complement: COL9A2 is on the minus strand). VCF-style: chr1-40301216-C-T. GRCh37 (hg19) VCF-style: chr1-40766888-C-T.
Other names: short protein forms R679H.
Identifiers: ClinVar variation 876311 (VCV000876311.24), dbSNP rs199897562, ClinGen allele CA791252.
Genomic context (GRCh38, chr1:40,301,216, plus strand): 5'-TGCCAGGCTCTGTCTGGGCCTGATGCTCAAGGCCCCTTGATGGATCCAGGCTCTGTAAGG[C>T]GGGCAGAGGCATAGGCCGAAGCTCCAAGGCAGGCGGCAGGTTCACAGAAGCCCGGCAGCC-3'
Protein context (NP_001843.1, residues 669-689): CLGASAYASA[Arg679His]LTEPGSIKGP